The following is an entry in ClinVar:

ClinVar aggregate classification (germline): Likely benign (0 of 4 stars; one submission).

Conditions:
FGFR2-related disorder. Identifiers: MedGen CN380096.

Allele frequency attached by ClinVar (database versions not stated): TOPMed 0.00003.
gnomAD v4.1: 8 of 1,551,546 alleles (0.00052%); highest among the groups gnomAD compares: East Asian, 0.0049%; no homozygotes.

Submission:

PreventionGenetics, part of Exact Sciences
Classification: Likely benign for FGFR2-related condition. Last evaluated: 2020-04-07. Review status: no assertion criteria provided. Collection method: clinical testing. Allele origin: germline.
Comment: This variant is classified as likely benign based on ACMG/AMP sequence variant interpretation guidelines (Richards et al. 2015 PMID: 25741868, with internal and published modifications).

NM_000141.5(FGFR2):c.*255C>T

Gene: FGFR2 (fibroblast growth factor receptor 2; minus strand). Cytogenetic location: 10q26.13.
Variant type: single nucleotide variant.
Coding change: c.*255C>T on transcript NM_000141.5 (MANE Select); 255 bases downstream of the stop codon, C replaced by T.
Molecular consequence: 3 prime UTR variant. On other transcripts: synonymous variant (1), non-coding transcript variant (1).
Genome position (GRCh38, 1-based): chr10:121,479,602, G>A on the plus strand (C>T on the coding strand, the complement: FGFR2 is on the minus strand). VCF-style: chr10-121479602-G-A. GRCh37 (hg19) VCF-style: chr10-123239116-G-A.
Other names: c.*255C>T (NM_001144914.1, NM_001144916.2, NM_001144917.2 and 5 more transcripts); c.2103C>T, p.Cys701= (NM_001144915.2).
Identifiers: ClinVar variation 3054639 (VCV003054639.2), dbSNP rs1368902748, ClinGen allele CA596580846.